The following is an entry in ClinVar:

ClinVar aggregate classification (germline): Uncertain significance. Review status: criteria provided, multiple submitters, no conflicts (2 of 4 stars). 2 submissions from 2 submitters: Uncertain significance (2). Last evaluated 2025-11-03.

Conditions:
Inborn genetic diseases. Identifiers: MedGen C0950123, MeSH D030342.
Immunodeficiency 19 (IMD19). Also called: CD3-DELTA DEFICIENCY; SEVERE COMBINED IMMUNODEFICIENCY, T CELL-NEGATIVE, B CELL-POSITIVE, NK CELL-POSITIVE; SCID, T CELL-NEGATIVE, B CELL-POSITIVE, NK CELL-POSITIVE; IMMUNODEFICIENCY 19, SEVERE COMBINED. Identifiers: MedGen C3810147, MONDO:0014280, OMIM 615617.

gnomAD v4.1: 9 of 1,613,970 alleles (0.00056%); highest among the groups gnomAD compares: East Asian, 0.011%; no homozygotes.

Submissions (2):

Labcorp Genetics (formerly Invitae), Labcorp
Classification: Uncertain significance for Immunodeficiency 19. Last evaluated: 2025-11-03. Review status: criteria provided, single submitter. Criteria: Invitae Variant Classification Sherloc (09022015). Collection method: clinical testing. Allele origin: germline.
Comment: This sequence change replaces arginine, which is basic and polar, with histidine, which is basic and polar, at codon 63 of the CD3D protein (p.Arg63His). This variant is present in population databases (rs374700153, gnomAD 0.0009%). This variant has not been reported in the literature in individuals affected with CD3D-related conditions. ClinVar contains an entry for this variant (Variation ID: 2460273). An algorithm developed to predict the effect of missense changes on protein structure and function (PolyPhen-2) suggests that this variant is likely to be disruptive. In summary, the available evidence is currently insufficient to determine the role of this variant in disease. Therefore, it has been classified as a Variant of Uncertain Significance.

Ambry Genetics
Classification: Uncertain significance for Inborn genetic diseases. Last evaluated: 2023-01-26. Review status: criteria provided, single submitter. Criteria: Ambry Variant Classification Scheme 2023. Collection method: clinical testing. Allele origin: germline.

NM_000732.6(CD3D):c.188G>A (p.Arg63His)

Gene: CD3D (CD3 delta subunit of T-cell receptor complex; minus strand). Cytogenetic location: 11q23.3.
Variant type: single nucleotide variant.
Coding change: c.188G>A on transcript NM_000732.6 (MANE Select); coding-DNA position 188, G replaced by A.
Protein change: p.Arg63His; replaces arginine 63 with histidine.
Molecular consequence: missense variant.
Genome position (GRCh38, 1-based): chr11:118,340,461, C>T on the plus strand (G>A on the coding strand, the complement: CD3D is on the minus strand). VCF-style: chr11-118340461-C-T. GRCh37 (hg19) VCF-style: chr11-118211176-C-T.
Other names: c.188G>A, p.Arg63His (NM_001040651.2); short protein forms R63H.
Identifiers: ClinVar variation 2460273 (VCV002460273.3), dbSNP rs374700153, ClinGen allele CA6301978.
Genomic context (GRCh38, chr11:118,340,461, plus strand): 5'-TCTTTGTCCTTGTATATATCTGTCCCATTACACCTATATATTCCTCGTGGGTCCAGGATG[C>T]GTTTTCCCAGGTCCAGTCTTGTAATGTCTGAGAGCAGTGTTCCCACCGTTCCCTCTACCC-3'
Protein context (NP_000723.1, residues 53-73): SDITRLDLGK[Arg63His]ILDPRGIYRC